The following is an entry in ClinVar:

ClinVar aggregate classification (germline): Pathogenic. Review status: reviewed by expert panel (3 of 4 stars). 37 submissions from 37 submitters: Pathogenic (1). 36 of the submissions do not count toward it. Last evaluated 2016-04-22.

Conditions:
Pancreatic cancer, susceptibility to, 2. Identifiers: Orphanet 1333, MedGen C3150546, MONDO:0013235, OMIM 613347.
Glioma susceptibility 3 (GLM3). Also called: Glioblastoma 3. Identifiers: Orphanet 182067, Orphanet 360, MedGen C2751641, MONDO:0013093, OMIM 613029.
Familial prostate cancer. Also called: Hereditary Prostate Cancer. Identifiers: MedGen C2931456, MONDO:0700275, OMIM 176807.
Breast-ovarian cancer, familial, susceptibility to, 2 (BROVCA2). Also called: BRCA2 Hereditary Breast and Ovarian Cancer. Identifiers: Orphanet 145, MedGen C2675520, MONDO:0012933, OMIM 612555. Disease mechanism: loss of function.
Fanconi anemia complementation group D1. Also called: BRCA2-Related Fanconi Anemia. Identifiers: Orphanet 319462, MedGen C1838457, MONDO:0011584, OMIM 605724.
Medulloblastoma (MDB). Also called: Medulloblastoma, somatic; MEDULLOBLASTOMA PREDISPOSITION SYNDROME. Identifiers: Orphanet 616, MedGen C0025149, MeSH D008527, MONDO:0007959, OMIM 155255, HP:0002885.
Wilms tumor 1 (WT1). Also called: Wilms tumor, somatic. Identifiers: Orphanet 654, MedGen CN033288, MONDO:0008679, OMIM 194070.
Familial cancer of breast. Also called: BREAST CANCER, FAMILIAL; hereditary breast carcinoma; Hereditary breast cancer. Identifiers: Orphanet 227535, MedGen C0346153, MONDO:0016419, OMIM 114480. Disease mechanism: loss of function.
BRCA2-related cancer predisposition. Identifiers: MedGen CN377758, MONDO:0700269.
BRCA2-related disorder. Also called: BRCA2-related condition; BRCA2-related disorders. Identifiers: MedGen CN239275.
Breast and/or ovarian cancer. Identifiers: MedGen CN221562.
Hereditary cancer-predisposing syndrome. Also called: Neoplastic Syndromes, Hereditary; Tumor predisposition; Hereditary Cancer Syndrome; Hereditary neoplastic syndrome. Identifiers: Orphanet 140162, MedGen C0027672, MeSH D009386, MONDO:0015356.
Hereditary breast ovarian cancer syndrome. Also called: Breast and ovarian cancer; Hereditary breast and ovarian cancer; Hereditary breast and ovarian cancer syndrome (HBOC); Hereditary breast and ovarian cancer syndrome; BRCA1- and BRCA2-Associated Hereditary Breast and Ovarian Cancer; Hereditary breast and/or ovarian cancer syndrome. Identifiers: Orphanet 145, MedGen C0677776, MeSH D061325, MONDO:0003582. Disease mechanism: loss of function.
Carcinoma of pancreas. Also called: Pancreatic cancer, somatic; Pancreatic carcinoma, somatic; Exocrine pancreatic carcinoma; PANCREATIC ACINAR CARCINOMA; PANCREATIC CARCINOMA. Identifiers: Orphanet 1333, Orphanet 217074, MedGen C0235974, MONDO:0005192. Disease mechanism: loss of function.
Malignant tumor of breast. Also called: Cancer breast; Malignant breast neoplasm. Identifiers: MedGen C0006142, MONDO:0007254. Disease mechanism: loss of function.

Submissions 1 to 8 of 37:

Evidence-based Network for the Interpretation of Germline Mutant Alleles (ENIGMA)
Classification: Pathogenic for Breast-ovarian cancer, familial, susceptibility to, 2. Last evaluated: 2016-04-22. Review status: reviewed by expert panel. Criteria: ENIGMA BRCA1/2 Classification Criteria (2015). Collection method: curation. Allele origin: germline.
Comment: Variant allele predicted to encode a truncated non-functional protein.

Labcorp Genetics (formerly Invitae), Labcorp
Classification: Pathogenic for Hereditary breast ovarian cancer syndrome. Last evaluated: 2026-01-27. Review status: criteria provided, single submitter. Criteria: Invitae Variant Classification Sherloc (09022015). Collection method: clinical testing. Allele origin: germline. Not counted in ClinVar's aggregate classification.
Comment: This sequence change creates a premature translational stop signal (p.Phe1182*) in the BRCA2 gene. It is expected to result in an absent or disrupted protein product. Loss-of-function variants in BRCA2 are known to be pathogenic (PMID: 20104584). This variant is present in population databases (rs748852670, gnomAD 0.004%). This premature translational stop signal has been observed in individual(s) with breast and ovarian cancer (PMID: 15131399, 20104584, 24156927, 25884701). This variant is also known as 3772delTT, c.3773delTT, and p.Phe1182Terfs. ClinVar contains an entry for this variant (Variation ID: 37846). For these reasons, this variant has been classified as Pathogenic.

PreventionGenetics, part of Exact Sciences
Classification: Pathogenic for BRCA2-related condition. Last evaluated: 2025-12-31. Review status: criteria provided, single submitter. Criteria: ACMG Guidelines, 2015. Collection method: clinical testing. Allele origin: germline. Not counted in ClinVar's aggregate classification.
Comment: The BRCA2 c.3545_3546delTT variant is predicted to result in premature protein termination (p.Phe1182*). This variant, also known as 3772delTT and 3773delTT, has been reported in individuals with breast, ovarian, and pancreatic cancer (see for example - Lubinski et al. 2004. PubMed ID: 15131399; Shindo et al. 2017. PubMed ID: 28767289; Labidi-Galy et al. 2018. PubMed ID: 29084914, Table S2; Heramb et al. 2018. PubMed ID: 29339979). This variant is reported in 0.0044% of alleles in individuals of European (Non-Finnish) descent in gnomAD. Nonsense variants in BRCA2 are expected to be pathogenic, and this variant has been classified as pathogenic by an expert panel in the ClinVar database (Variation ID: 37846). This variant is interpreted as pathogenic.

Institute for Genomic Medicine (IGM) Clinical Laboratory, Nationwide Children's Hospital
Classification: Pathogenic for Hereditary cancer-predisposing syndrome. Last evaluated: 2025-08-17. Review status: criteria provided, single submitter. Criteria: ACMG Guidelines, 2015. Collection method: clinical testing. Allele origin: germline. Not counted in ClinVar's aggregate classification.
Comment: This variant is predicted to result in loss of function through nonsense-mediated decay of the encoded transcript or premature truncation of the encoded protein in a gene in which loss of function is a known mechanism of disease (ACMG/AMP: PVS1; PMIDs:16234499, 20104584). This variant has been reported at an elevated frequency in affected individuals/in multiple affected individuals in the literature (ACMG/AMP: PS4; PMIDs:15131399, 20104584, 21324516, 25884701, 28767289, 38974244, 32300229).

GeneKor MSA
Classification: Pathogenic for Hereditary breast ovarian cancer syndrome. Last evaluated: 2025-06-25. Review status: criteria provided, single submitter. Criteria: ACMG Guidelines, 2015. Collection method: clinical testing. Allele origin: germline. Affected: no. Not counted in ClinVar's aggregate classification.
Comment: This is a two-nucleotide deletion in exon 11 of the BRCA2 mRNA c.(3545_3546delTT), creating a premature translational stop signal at codon 1182 p.(Phe1182*). This is expected to result in an absent or disrupted protein product. Truncating variants in BRCA2 are known to be pathogenic. This alteration is present in population databases (rs80359388) and is also known as 3772delTT or c.3773delTT. This variant has been reported in the literature in individuals affected with breast and ovarian cancer (PMID:15131399, 20104584, 20694749, 21324516, 24156927, 25884701, 29084914, 29339979, 33471991) and in an individual affected with Fanconi anemia with a family history of early-onset breast cancer (PMID:25381700). The mutation database Clinvar contains entries for this variant where it is listed as pathogenic (VCV000037846.89). For these reasons this variant has been classified as pathogenic. Based on the classification criteria set by the ACMG and AMP (PMID:25741868) this variant has been classified as pathogenic.

Mayo Clinic Laboratories, Mayo Clinic
Classification: Pathogenic. Last evaluated: 2025-03-07. Review status: criteria provided, single submitter. Criteria: ACMG Guidelines, 2015. Collection method: clinical testing. Allele origin: germline. Observed: 3 variant alleles. Not counted in ClinVar's aggregate classification.
Comment: PM3_supporting, PM5_strong, PVS1

Dasa
Classification: Pathogenic for Breast-ovarian cancer, familial, susceptibility to, 2. Last evaluated: 2025-01-31. Review status: criteria provided, single submitter. Criteria: DASA Assertion Criteria. Collection method: clinical testing. Allele origin: germline. Not counted in ClinVar's aggregate classification.
Comment: NM_000059.4(BRCA2):c.3545_3546del (p.Phe1182Ter) is a frameshift variant in BRCA2 predicted to alter the reading frame and introduce a premature termination codon and is predicted to result in an absent or altered protein product. Loss of function is an established disease mechanism for BRCA2 (PMID: 16199546; PMID: 17063271; PMID: 25632310). The affected residue or protein region has prior evidence supporting clinical relevance. Also, this variant is rare in population databases. Based on the currently available evidence, this variant is classified as pathogenic.

Ambry Genetics
Classification: Pathogenic for Hereditary cancer-predisposing syndrome. Last evaluated: 2025-01-11. Review status: criteria provided, single submitter. Criteria: Ambry Variant Classification Scheme 2023. Collection method: clinical testing. Allele origin: germline. Not counted in ClinVar's aggregate classification.
Comment: The c.3545_3546delTT pathogenic mutation (also known as p.F1182*), located in coding exon 10 of the BRCA2 gene, results from a deletion of two nucleotides at nucleotide positions 3545 to 3546. This changes the amino acid from a phenylalanine to a stop codon within coding exon 10. This mutation has been well described in the literature and has been seen in multiple individuals with a personal and/or family history consistent with hereditary breast and ovarian cancer (HBOC) syndrome, including several French-Canadian families (Lubinski J et al. Fam. Cancer. 2004;3:1-10; Oros KK et al. Int. J. Cancer. 2004 Nov;112:411-9; Simard J et al. J. Med. Genet. 2007 Feb;44:107-21; Borg A et al. Hum. Mutat. 2010 Mar;31:E1200-40; Belanger MH et al. J. Ovarian Res. 2015 Mar;8:1; Labidi-Galy SI et al. Clin. Cancer Res. 2018 Jan;24(2):326-333). Of note, this alteration is also designated as 3773delTT and 3772delTT in published literature. In addition to the clinical data presented in the literature, this alteration is expected to result in loss of function by premature protein truncation or nonsense-mediated mRNA decay. As such, this alteration is interpreted as a disease-causing mutation.

NM_000059.4(BRCA2):c.3545_3546del (p.Gln1181_Phe1182insTer)

Gene: BRCA2 (BRCA2 DNA repair associated; plus strand). Cytogenetic location: 13q13.1.
Variant type: Deletion.
Coding change: c.3545_3546del on transcript NM_000059.4 (MANE Select); coding-DNA positions 3545 to 3546, 2 bases deleted (TT; older notation c.3545_3546delTT).
Protein change: p.Gln1181_Phe1182insTer.
Molecular consequence: nonsense.
Genome position (GRCh38, 1-based): chr13:32,337,900-32,337,901, TT deleted; deleting any 2 consecutive bases within chr13:32,337,899-32,337,901 gives the same sequence; the c. name uses the placement nearest the transcript's 3' end. VCF-style (leftmost placement, unchanged base first): chr13-32337898-ATT-A. GRCh37 (hg19) VCF-style: chr13-32912035-ATT-A.
Other names: 3773delTT; c.3544_3545del (NM_000059.3); c.3545_3546delTT (NM_000059.3).
Identifiers: ClinVar variation 37846 (VCV000037846.104), dbSNP rs80359388, ClinGen allele CA018299.
Genomic context (GRCh38, chr13:32,337,898, plus strand): 5'-TGCTGATCTTCATGTCATAATGAATGCCCCATCGATTGGTCAGGTAGACAGCAGCAAGCA[ATT>A]TGAAGGTACAGTTGAAATTAAACGGAAGTTTGCTGGCCTGTTGAAAAATGACTGTAACAA-3'